The following is an entry in ClinVar:

ClinVar aggregate classification (germline): Likely benign. Review status: criteria provided, multiple submitters, no conflicts (2 of 4 stars). 2 submissions from 2 submitters: Likely benign (2). Last evaluated 2023-11-10.

Allele frequency attached by ClinVar (database versions not stated): TOPMed below 0.00001; gnomAD 0.00001; gnomAD exomes 0.00001; ExAC 0.00002.
gnomAD v4.1: 5 of 1,614,104 alleles (0.00031%); highest among the groups gnomAD compares: Non-Finnish European, 0.00034%; no homozygotes.

Submissions (2):

Labcorp Genetics (formerly Invitae), Labcorp
Classification: Likely benign. Last evaluated: 2023-11-10. Review status: criteria provided, single submitter. Criteria: Invitae Variant Classification Sherloc (09022015). Collection method: clinical testing. Allele origin: germline.

GeneDx
Classification: Likely benign. Last evaluated: 2016-07-08. Review status: criteria provided, single submitter. Criteria: GeneDx Variant Classification (06012015). Collection method: clinical testing. Allele origin: germline. Affected: yes.
Comment: This variant is considered likely benign or benign based on one or more of the following criteria: it is a conservative change, it occurs at a poorly conserved position in the protein, it is predicted to be benign by multiple in silico algorithms, and/or has population frequency not consistent with disease.

NM_006031.6(PCNT):c.2991T>C (p.Phe997=)

Gene: PCNT (pericentrin; plus strand). Cytogenetic location: 21q22.3.
Variant type: single nucleotide variant.
Coding change: c.2991T>C on transcript NM_006031.6 (MANE Select); coding-DNA position 2991, T replaced by C.
Protein change: p.Phe997=; no amino-acid change (phenylalanine 997 retained).
Molecular consequence: synonymous variant.
Genome position (GRCh38, 1-based): chr21:46,366,965, T>C. VCF-style: chr21-46366965-T-C. GRCh37 (hg19) VCF-style: chr21-47786880-T-C.
Other names: c.2637T>C, p.Phe879= (NM_001315529.2).
Identifiers: ClinVar variation 387659 (VCV000387659.4), dbSNP rs767625587, ClinGen allele CA10079144.